The following is an entry in ClinVar:

ClinVar aggregate classification (germline): Likely benign (1 of 4 stars; one submission).

Allele frequency attached by ClinVar (database versions not stated): gnomAD exomes 0.00045 and 0.00111; ExAC 0.00156; ESP Exome Variant Server 0.00483; gnomAD 0.00496 and 0.00534; TOPMed 0.00560; 1000 Genomes Project 30x 0.00687; 1000 Genomes Project 0.00699.
gnomAD v4.1: 1,422 of 1,528,652 alleles (0.093%); highest among the groups gnomAD compares: African/African-American, 1.7%; 12 homozygotes.

Submission:

GeneDx
Classification: Likely benign. Last evaluated: 2018-06-19. Review status: criteria provided, single submitter. Criteria: GeneDx Variant Classification (06012015). Collection method: clinical testing. Allele origin: germline. Affected: yes.
Comment: This variant is considered likely benign or benign based on one or more of the following criteria: it is a conservative change, it occurs at a poorly conserved position in the protein, it is predicted to be benign by multiple in silico algorithms, and/or has population frequency not consistent with disease.

NM_001127222.2(CACNA1A):c.1555+24C>T

Gene: CACNA1A (calcium voltage-gated channel subunit alpha1 A; minus strand). Cytogenetic location: 19p13.13.
Variant type: single nucleotide variant.
Coding change: c.1555+24C>T on transcript NM_001127222.2 (MANE Select); 24 bases into the intron after coding-DNA position 1555, C replaced by T.
Molecular consequence: intron variant.
Genome position (GRCh38, 1-based): chr19:13,317,088, G>A on the plus strand (C>T on the coding strand, the complement: CACNA1A is on the minus strand). VCF-style: chr19-13317088-G-A. GRCh37 (hg19) VCF-style: chr19-13427902-G-A.
Other names: c.1558+24C>T (NM_001127221.2, NM_001174080.2, NM_000068.4 and 1 more transcripts).
Identifiers: ClinVar variation 677737 (VCV000677737.1), dbSNP rs10422728, ClinGen allele CA9240791.